The following is an entry in ClinVar:

NM_001365951.3(KIF1B):c.3398A>G (p.Tyr1133Cys)

Gene: KIF1B (kinesin family member 1B; plus strand). Cytogenetic location: 1p36.22.
Variant type: single nucleotide variant.
Coding change: c.3398A>G on transcript NM_001365951.3 (MANE Select); coding-DNA position 3398, A replaced by G.
Protein change: p.Tyr1133Cys; replaces tyrosine 1133 with cysteine.
Molecular consequence: missense variant.
Genome position (GRCh38, 1-based): chr1:10,337,509, A>G. VCF-style: chr1-10337509-A-G. GRCh37 (hg19) VCF-style: chr1-10397567-A-G.
Other names: c.3398A>G, p.Tyr1133Cys (NM_001365952.1); c.3260A>G, p.Tyr1087Cys (NM_015074.3); short protein forms Y1087C, Y1133C.
Identifiers: ClinVar variation 291567 (VCV000291567.27), dbSNP rs2297881, ClinGen allele CA581758.

ClinVar aggregate classification (germline): Benign. Review status: criteria provided, multiple submitters, no conflicts (2 of 4 stars). 12 submissions from 12 submitters: Benign (9). 3 of the submissions do not count toward it. Last evaluated 2026-02-04.

Conditions:
Charcot-Marie-Tooth disease. Also called: Charcot-Marie-Tooth Neuropathy; Charcot-Marie-Tooth Hereditary Neuropathy. Identifiers: Orphanet 166, MedGen C0007959, MONDO:0015626.
Hereditary cancer-predisposing syndrome. Also called: Tumor predisposition; Hereditary neoplastic syndrome; Neoplastic Syndromes, Hereditary; Hereditary Cancer Syndrome. Identifiers: Orphanet 140162, MedGen C0027672, MeSH D009386, MONDO:0015356.
Charcot-Marie-Tooth disease type 2A1. Also called: CHARCOT-MARIE-TOOTH DISEASE, AXONAL, TYPE 2A1; CHARCOT-MARIE-TOOTH DISEASE, AXONAL, AUTOSOMAL DOMINANT, TYPE 2A1; CHARCOT-MARIE-TOOTH DISEASE, NEURONAL, TYPE 2A1; CHARCOT-MARIE-TOOTH NEUROPATHY, TYPE 2A1; HEREDITARY MOTOR AND SENSORY NEUROPATHY IIA1. Identifiers: Orphanet 99946, MedGen C1861678, MONDO:0007308, OMIM 118210.
Neuroblastoma, susceptibility to, 1. Identifiers: MedGen C2749485, MONDO:0009741, OMIM 256700.
Charcot-Marie-Tooth disease type 2. Also called: Charcot-Marie-Tooth type 2. Identifiers: Orphanet 64746, MedGen C0270914, MONDO:0018993.
Neuroblastoma (NB). Identifiers: Orphanet 635, MedGen C0027819, MeSH D009447, MONDO:0005072, HP:0003006.

Allele frequency attached by ClinVar (database versions not stated): ESP Exome Variant Server 0.03222; gnomAD 0.03446 and 0.03425; 1000 Genomes Project 0.03974; 1000 Genomes Project 30x 0.03982; TOPMed 0.03468; gnomAD exomes 0.02518 and 0.03272; ExAC 0.03252.
gnomAD v4.1: 42,554 of 1,614,184 alleles (2.6%); highest among the groups gnomAD compares: Middle Eastern, 8.4%; 752 homozygotes.

Submissions (12):

Labcorp Genetics (formerly Invitae), Labcorp
Classification: Benign for Charcot-Marie-Tooth disease type 2. Last evaluated: 2026-02-04. Review status: criteria provided, single submitter. Criteria: Invitae Variant Classification Sherloc (09022015). Collection method: clinical testing. Allele origin: germline.

Dasa
Classification: Benign. Last evaluated: 2025-11-05. Review status: criteria provided, single submitter. Criteria: DASA Assertion Criteria. Collection method: clinical testing. Allele origin: germline.
Comment: NM_001365951.3(KIF1B):c.3398A>G (p.Tyr1133Cys) is interpreted as benign based on a combination of available evidence, which may include population frequency, observations in unaffected individuals, intact protein function, lack of segregation with disease, in silico models, amino acid conservation, lack of disease association in case-control studies, and/or inconsistency with the known disease mechanism or impacted region. Based on the available data, this variant is classified as benign.

Molecular Diagnostics Laboratory, Catalan Institute of Oncology
Classification: Benign for Hereditary cancer-predisposing syndrome. Last evaluated: 2025-07-22. Review status: criteria provided, single submitter. Criteria: ACMG Guidelines, 2015. Collection method: clinical testing. Allele origin: germline.
Comment: BA1 c.3260A>G, located in exon 29 of the KIF1B gene, is predicted to result in the substitution of tyrosine with cysteine at codon 1087, p.(Tyr1087Cys). The variant allele was found in 8932/268326 alleles (173 homozygous), with a filtering allele frequency of 3.25% at 99% confidence, in the gnomAD v2.1.1 database (non-cancer data set) (BA1). The SpliceAI algorithm predicts no significant impact on splicing, and the REVEL meta-predictor score for this variant (0.623) is indeterminate regarding the effect that it may have on protein function according to Pejaver 2022 thresholds (PMID: 36413997). In vitro studies in mouse cells showed that the mutation reduces Kif1b's ability to bind and transport Igf1r to the axon, and failed to rescue axonal growth defects in Kif1b-null neurons; however, neither pathogenic nor neutral controls were not included in the analysis (PMID 30126838). This variant has been identified in the ClinVar database (9x benign, 1x pathogenic) but has not been identified in the LOVD database. Based on currently available information, c.3260A>G is classified as a benign variant according ACMG guidelines.

Department of Pathology and Laboratory Medicine, Sinai Health System
Classification: Benign for Charcot-Marie-Tooth disease type 2A1; Neuroblastoma, susceptibility to, 1. Last evaluated: 2023-02-05. Review status: criteria provided, single submitter. Criteria: ACMG Guidelines, 2015. Collection method: research. Allele origin: germline.

Ambry Genetics
Classification: Benign. Last evaluated: 2020-07-28. Review status: criteria provided, single submitter. Criteria: Ambry Variant Classification Scheme 2023. Collection method: clinical testing. Allele origin: germline.

Illumina Laboratory Services, Illumina
Classification: Benign for Neuroblastoma. Last evaluated: 2018-01-13. Review status: criteria provided, single submitter. Criteria: ICSL Variant Classification Criteria 13 December 2019. Collection method: clinical testing. Allele origin: germline.
Comment: This variant was observed in the ICSL laboratory as part of a predisposition screen in an ostensibly healthy population. It had not been previously curated by ICSL or reported in the Human Gene Mutation Database (HGMD: prior to June 1st, 2018), and was therefore a candidate for classification through an automated scoring system. Utilizing variant allele frequency, disease prevalence and penetrance estimates, and inheritance mode, an automated score was calculated to assess if this variant is too frequent to cause the disease. Based on the score and internal cut-off values, a variant classified as benign is not then subjected to further curation. The score for this variant resulted in a classification of benign for this disease.

GeneDx
Classification: Benign. Last evaluated: 2015-03-03. Review status: criteria provided, single submitter. Criteria: GeneDx Variant Classification Process June 2021. Collection method: clinical testing. Allele origin: germline. Affected: yes.

Breakthrough Genomics
Classification: Benign. Review status: criteria provided, single submitter. Criteria: ACMG Guidelines, 2015. Collection method: not provided. Allele origin: germline. Inheritance: Autosomal dominant inheritance. Affected: yes.

Molecular Genetics Laboratory, London Health Sciences Centre
Classification: Benign for Charcot-Marie-Tooth disease. Review status: criteria provided, single submitter. Criteria: ACMG Guidelines, 2015. Collection method: clinical testing. Allele origin: germline. Affected: yes.

OMIM
Classification: Pathogenic for CHARCOT-MARIE-TOOTH DISEASE, AXONAL, TYPE 2A1. Last evaluated: 2021-03-25. Review status: no assertion criteria provided. Collection method: literature only. Allele origin: germline. Not counted in ClinVar's aggregate classification.

Clinical Genetics, Academic Medical Center
Classification: Benign. Review status: no assertion criteria provided. Collection method: clinical testing. Allele origin: germline. Affected: yes. Study: VKGL Data-share Consensus. Not counted in ClinVar's aggregate classification.

Genome Diagnostics Laboratory, University Medical Center Utrecht
Classification: Benign. Review status: no assertion criteria provided. Collection method: clinical testing. Allele origin: germline. Affected: yes. Study: VKGL Data-share Consensus. Not counted in ClinVar's aggregate classification.

Literature cited by the submitters: PubMed 30126838 (cited by OMIM).